The following is an entry in ClinVar:

ClinVar aggregate classification (germline): Likely benign. Review status: reviewed by expert panel (3 of 4 stars). 3 submissions from 3 submitters: Likely benign (1). 2 of the submissions do not count toward it. Last evaluated 2017-06-29.

Conditions:
Hereditary breast ovarian cancer syndrome. Also called: Hereditary breast and ovarian cancer syndrome (HBOC); BRCA1- and BRCA2-Associated Hereditary Breast and Ovarian Cancer; Hereditary breast and/or ovarian cancer syndrome; Hereditary breast and ovarian cancer syndrome; Hereditary breast and ovarian cancer; Breast and ovarian cancer. Identifiers: Orphanet 145, MedGen C0677776, MeSH D061325, MONDO:0003582. Disease mechanism: loss of function.
Hereditary cancer-predisposing syndrome. Also called: Neoplastic Syndromes, Hereditary; Hereditary neoplastic syndrome; Tumor predisposition; Hereditary Cancer Syndrome. Identifiers: Orphanet 140162, MedGen C0027672, MeSH D009386, MONDO:0015356.
Breast-ovarian cancer, familial, susceptibility to, 1 (BROVCA1). Also called: BRCA1 Hereditary Breast and Ovarian Cancer; OVARIAN CANCER, SUSCEPTIBILITY TO. Identifiers: Orphanet 145, MedGen C2676676, MONDO:0011450, OMIM 604370. Disease mechanism: loss of function.

Allele frequency attached by ClinVar (database versions not stated): ExAC 0.00001; gnomAD 0.00001.
gnomAD v4.1: 2 of 1,614,104 alleles (0.00012%); highest among the groups gnomAD compares: South Asian, 0.0022%; no homozygotes.

Submissions (4):

Evidence-based Network for the Interpretation of Germline Mutant Alleles (ENIGMA)
Classification: Likely benign for Breast-ovarian cancer, familial, susceptibility to, 1. Last evaluated: 2017-06-29. Review status: reviewed by expert panel. Criteria: ENIGMA BRCA1/2 Classification Criteria (2017-06-29). Collection method: curation. Allele origin: germline.
Comment: Synonymous substitution variant, with low bioinformatic likelihood to result in a splicing aberration (Splicing prior probability 0.02).

Labcorp Genetics (formerly Invitae), Labcorp
Classification: Likely benign for Hereditary breast ovarian cancer syndrome. Last evaluated: 2025-12-24. Review status: criteria provided, single submitter. Criteria: Invitae Variant Classification Sherloc (09022015). Collection method: clinical testing. Allele origin: germline. Not counted in ClinVar's aggregate classification.

Ambry Genetics
Classification: Likely benign for Hereditary cancer-predisposing syndrome. Last evaluated: 2017-09-22. Review status: criteria provided, single submitter. Criteria: Ambry Variant Classification Scheme 2023. Collection method: clinical testing. Allele origin: germline. Not counted in ClinVar's aggregate classification.

Brotman Baty Institute, University of Washington
No classification provided (evidence only). Condition: Breast-ovarian cancer, familial 1. Review status: no classification provided. Collection method: in vitro. Allele origin: not applicable. Functional consequence: functionally_normal. Not counted in ClinVar's aggregate classification.
ClinVar note: "not provided" was previously submitted as the classification for the variant. However, the classification appeared to be based only on an observation of functional data so it was converted to no classification on 2025-07-30.

NM_007294.4(BRCA1):c.5115A>C (p.Leu1705=)

Gene: BRCA1 (BRCA1 DNA repair associated; minus strand). Cytogenetic location: 17q21.31.
Variant type: single nucleotide variant.
Coding change: c.5115A>C on transcript NM_007294.4 (MANE Select); coding-DNA position 5115, A replaced by C.
Protein change: p.Leu1705=; no amino-acid change (leucine 1705 retained).
Molecular consequence: synonymous variant. On other transcripts: intron variant (2).
Genome position (GRCh38, 1-based): chr17:43,063,911, T>G on the plus strand (A>C on the coding strand, the complement: BRCA1 is on the minus strand). VCF-style: chr17-43063911-T-G. GRCh37 (hg19) VCF-style: chr17-41215928-T-G.
Other names: c.4902A>C, p.Leu1634= (NM_001407571.1, NM_001407894.1, NM_001407895.1 and 12 more transcripts); c.5181A>C, p.Leu1727= (NM_001407581.1, NM_001407582.1); c.5178A>C, p.Leu1726= (NM_001407583.1, NM_001407585.1, NM_001407587.1 and 1 more transcripts); c.5175A>C, p.Leu1725= (NM_001407590.1, NM_001407591.1); c.5115A>C, p.Leu1705= (NM_001407593.1, NM_001407594.1, NM_001407596.1 and 7 more transcripts); c.5112A>C, p.Leu1704= (NM_001407610.1, NM_001407611.1, NM_001407612.1 and 17 more transcripts); c.5109A>C, p.Leu1703= (NM_001407627.1, NM_001407628.1, NM_001407629.1 and 14 more transcripts); c.5106A>C, p.Leu1702= (NM_001407644.1, NM_001407645.1); and 73 more.
Identifiers: ClinVar variation 427358 (VCV000427358.19), dbSNP rs772885662, ClinGen allele CA053919.
Genomic context (GRCh38, chr17:43,063,911, plus strand): 5'-GGGAGAAATAGTATTATACTTACAGAAATAGCTAACTACCCATTTTCCTCCCGCAATTCC[T>G]AGAAAATATTTCAGTGTCCGTTCACACACAAACTCAGCATCTGCAGAATGAAAAACACTC-3'
Protein context (NP_009225.1, residues 1695-1715): FVCERTLKYF[Leu1705=]GIAGGKWVVS